The following is an entry in ClinVar:

ClinVar aggregate classification (germline): Uncertain significance (1 of 4 stars; one submission).

Submission:

Labcorp Genetics (formerly Invitae), Labcorp
Classification: Uncertain significance. Last evaluated: 2024-03-21. Review status: criteria provided, single submitter. Criteria: Invitae Variant Classification Sherloc (09022015). Collection method: clinical testing. Allele origin: germline.
Comment: This sequence change replaces glycine, which is neutral and non-polar, with arginine, which is basic and polar, at codon 2350 of the KMT2B protein (p.Gly2350Arg). This variant is not present in population databases (gnomAD no frequency). This variant has not been reported in the literature in individuals affected with KMT2B-related conditions. Algorithms developed to predict the effect of missense changes on protein structure and function output the following: SIFT: "Not Available"; PolyPhen-2: "Not Available"; Align-GVGD: "Not Available". The arginine amino acid residue is found in multiple mammalian species, which suggests that this missense change does not adversely affect protein function. In summary, the available evidence is currently insufficient to determine the role of this variant in disease. Therefore, it has been classified as a Variant of Uncertain Significance.

NM_014727.3(KMT2B):c.7048G>C (p.Gly2350Arg)

Gene: KMT2B (lysine methyltransferase 2B; plus strand). Cytogenetic location: 19q13.12.
Variant type: single nucleotide variant.
Coding change: c.7048G>C on transcript NM_014727.3 (MANE Select); coding-DNA position 7048, G replaced by C.
Protein change: p.Gly2350Arg; replaces glycine 2350 with arginine.
Molecular consequence: missense variant.
Genome position (GRCh38, 1-based): chr19:35,733,685, G>C. VCF-style: chr19-35733685-G-C. GRCh37 (hg19) VCF-style: chr19-36224586-G-C.
Other names: short protein forms G2350R.
Identifiers: ClinVar variation 3685369 (VCV003685369.2).